The following is an entry in ClinVar:

ClinVar aggregate classification (germline): Likely benign. Review status: criteria provided, multiple submitters, no conflicts (2 of 4 stars). 2 submissions from 2 submitters: Likely benign (2). Last evaluated 2026-04-10.

Conditions:
DICER1-related tumor predisposition. Also called: DICER1-related pleuropulmonary blastoma cancer predisposition syndrome; DICER1 syndrome. Identifiers: Orphanet 284343, MedGen C3839822, MONDO:0100216.

Allele frequency attached by ClinVar (database versions not stated): TOPMed below 0.00001; gnomAD exomes below 0.00001.
gnomAD v4.1: 2 of 1,612,526 alleles (0.00012%); highest among the groups gnomAD compares: African/African-American, 0.0013%; no homozygotes.

Submissions (2):

Myriad Genetics, Inc.
Classification: Likely benign for DICER1-related tumor predisposition. Last evaluated: 2026-04-10. Review status: criteria provided, single submitter. Criteria: Myriad Autosomal Dominant, Autosomal Recessive and X-Linked Classification Criteria (2023). Collection method: clinical testing. Allele origin: unknown.
Comment: This variant is considered likely benign. This variant is intronic and is not expected to impact mRNA splicing.

Labcorp Genetics (formerly Invitae), Labcorp
Classification: Likely benign for DICER1-related tumor predisposition. Last evaluated: 2025-11-11. Review status: criteria provided, single submitter. Criteria: Invitae Variant Classification Sherloc (09022015). Collection method: clinical testing. Allele origin: germline.

NM_177438.3(DICER1):c.308-12A>G

Gene: DICER1 (dicer 1, ribonuclease III; minus strand). Cytogenetic location: 14q32.13.
Variant type: single nucleotide variant.
Coding change: c.308-12A>G on transcript NM_177438.3 (MANE Select); 12 bases into the intron before coding-DNA position 308, A replaced by G.
Molecular consequence: intron variant.
Genome position (GRCh38, 1-based): chr14:95,131,651, T>C on the plus strand (A>G on the coding strand, the complement: DICER1 is on the minus strand). VCF-style: chr14-95131651-T-C. GRCh37 (hg19) VCF-style: chr14-95597988-T-C.
Other names: c.308-12A>G (NM_001291628.2, NM_030621.4, NM_001271282.3 and 1 more transcripts).
Identifiers: ClinVar variation 1566432 (VCV001566432.10), dbSNP rs1473486614, ClinGen allele CA615847044.
Genomic context (GRCh38, chr14:95,131,651, plus strand): 5'-AGATCTGAATGAGTTCTGACAGCTGACACTTGTTGAGCAACCTGGTTTGCTAATTACAAA[T>C]ATAATACTCCATGTAAATATGAGAAATCTTGCCTAGTTGGCTCTCTGGACTACTAATGAT-3'